The following is an entry in ClinVar:

ClinVar aggregate classification (germline): Uncertain significance (1 of 4 stars; one submission).

Conditions:
RYR1-related disorder. Also called: RYR1-related disorders; RYR1-related condition. Identifiers: MedGen CN239331.

Submission:

Labcorp Genetics (formerly Invitae), Labcorp
Classification: Uncertain significance for RYR1-Related Disorders. Last evaluated: 2019-04-12. Review status: criteria provided, single submitter. Criteria: Invitae Variant Classification Sherloc (09022015). Collection method: clinical testing. Allele origin: germline.
Comment: This sequence change replaces proline with serine at codon 4668 of the RYR1 protein (p.Pro4668Ser). The proline residue is highly conserved and there is a moderate physicochemical difference between proline and serine. This variant is not present in population databases (ExAC no frequency). However, in that individual a different pathogenic RYR1 variant was felt to be causative of disease, and Pro4668Ser did not segregate with MH in the family (PMID: 11928716). This variant has been reported not to substantially affect RYR1 protein function (PMID: 11928716). This missense change is located in a region of the RYR1 protein where a significant number of previously reported RYR1 missense mutations are found (PMID: 16084090). These observations suggest that a previously unreported missense substitution within this region may affect protein function. In summary, the available evidence is currently insufficient to determine the role of this variant in disease. Therefore, it has been classified as a Variant of Uncertain Significance.

Literature cited by the submitters: PubMed 11928716; PubMed 16084090.

NM_000540.3(RYR1):c.14001_14002delinsTT (p.Pro4668Ser)

Gene: RYR1 (ryanodine receptor 1; plus strand). Cytogenetic location: 19q13.2.
Variant type: Indel.
Coding change: c.14001_14002delinsTT on transcript NM_000540.3 (MANE Select); coding-DNA positions 14001 to 14002, GC replaced by TT.
Protein change: p.Pro4668Ser; replaces proline 4668 with serine.
Molecular consequence: missense variant.
Genome position (GRCh38, 1-based): chr19:38,573,179-38,573,180, GC replaced by TT. VCF-style: chr19-38573179-GC-TT. GRCh37 (hg19) VCF-style: chr19-39063819-GC-TT.
Other names: c.13986_13987delinsTT, p.Pro4663Ser (NM_001042723.2); short protein forms P4663S, P4668S.
Identifiers: ClinVar variation 947946 (VCV000947946.1), dbSNP rs1973801119, ClinGen allele CA1139666441.